The following is an entry in ClinVar:

NC_000002.11:g.(?_26507731)_(26512821_?)del

Gene: HADHB (hydroxyacyl-CoA dehydrogenase trifunctional multienzyme complex subunit beta; plus strand). Cytogenetic location: 2p23.3.
Variant type: Deletion.
Identifiers: ClinVar variation 3247335 (VCV003247335.1).

ClinVar aggregate classification (germline): Pathogenic (1 of 4 stars; one submission).

Conditions:
Mitochondrial trifunctional protein deficiency. Identifiers: Orphanet 746, MedGen C1969443, MONDO:0012172.

Submission:

Labcorp Genetics (formerly Invitae), Labcorp
Classification: Pathogenic for Mitochondrial trifunctional protein deficiency. Last evaluated: 2023-10-16. Review status: criteria provided, single submitter. Criteria: Invitae Variant Classification Sherloc (09022015). Collection method: clinical testing. Allele origin: unknown.
Comment: This variant is a gross deletion of the genomic region encompassing exon(s) 14-16 of the HADHB gene, which includes the termination codon. This deletion extends beyond the assayed region for this gene and therefore may encompass additional genes. While this deletion is not anticipated to lead to nonsense mediated decay, it is expected to alter mRNA translation or result in a truncated protein product. This variant has not been reported in the literature in individuals affected with HADHB-related conditions. This variant disrupts a region of the HADHB protein in which other variant(s) (p.Asn389Asp) have been determined to be pathogenic (PMID: 17143551, 21549624, 24664533). This suggests that this is a clinically significant region of the protein, and that variants that disrupt it are likely to be disease-causing. For these reasons, this variant has been classified as Pathogenic.

Literature cited by the submitters: PubMed 17143551; PubMed 21549624; PubMed 24664533.